The following is an entry in ClinVar:

NM_170707.4(LMNA):c.625A>G (p.Asn209Asp)

Gene: LMNA (lamin A/C; plus strand). Cytogenetic location: 1q22.
Variant type: single nucleotide variant.
Coding change: c.625A>G on transcript NM_170707.4 (MANE Select); coding-DNA position 625, A replaced by G.
Protein change: p.Asn209Asp; replaces asparagine 209 with aspartic acid.
Molecular consequence: missense variant.
Genome position (GRCh38, 1-based): chr1:156,134,514, A>G. VCF-style: chr1-156134514-A-G. GRCh37 (hg19) VCF-style: chr1-156104305-A-G.
Other names: c.625A>G (NM_170707.2); c.289A>G, p.Asn97Asp (NM_001257374.3); c.382A>G, p.Asn128Asp (NM_001282624.2); c.625A>G, p.Asn209Asp (NM_001282625.2, NM_001282626.2, NM_005572.4 and 1 more transcripts); short protein forms N209D, N97D, N128D.
Identifiers: ClinVar variation 1377010 (VCV001377010.9), dbSNP rs2102879291, ClinGen allele CA342817067.

ClinVar aggregate classification (germline): Uncertain significance. Review status: criteria provided, multiple submitters, no conflicts (2 of 4 stars). 2 submissions from 2 submitters: Uncertain significance (2). Last evaluated 2025-02-05.

Conditions:
Charcot-Marie-Tooth disease type 2. Also called: Charcot-Marie-Tooth type 2. Identifiers: Orphanet 64746, MedGen C0270914, MONDO:0018993.

Submissions (2):

GeneDx
Classification: Uncertain significance. Last evaluated: 2025-02-05. Review status: criteria provided, single submitter. Criteria: GeneDx Variant Classification Process June 2021. Collection method: clinical testing. Allele origin: germline. Affected: yes.
Comment: Not observed at significant frequency in large population cohorts (gnomAD); In silico analysis supports that this missense variant has a deleterious effect on protein structure/function; Has not been previously published as pathogenic or benign to our knowledge; This variant is associated with the following publications: (PMID: 10939567)

Labcorp Genetics (formerly Invitae), Labcorp
Classification: Uncertain significance for Charcot-Marie-Tooth disease type 2. Last evaluated: 2023-03-07. Review status: criteria provided, single submitter. Criteria: Invitae Variant Classification Sherloc (09022015). Collection method: clinical testing. Allele origin: germline.
Comment: This sequence change replaces asparagine, which is neutral and polar, with aspartic acid, which is acidic and polar, at codon 209 of the LMNA protein (p.Asn209Asp). This variant is not present in population databases (gnomAD no frequency). This variant has not been reported in the literature in individuals affected with LMNA-related conditions. ClinVar contains an entry for this variant (Variation ID: 1377010). Advanced modeling of protein sequence and biophysical properties (such as structural, functional, and spatial information, amino acid conservation, physicochemical variation, residue mobility, and thermodynamic stability) performed at Invitae indicates that this missense variant is expected to disrupt LMNA protein function. In summary, the available evidence is currently insufficient to determine the role of this variant in disease. Therefore, it has been classified as a Variant of Uncertain Significance.